The following is an entry in ClinVar:

ClinVar aggregate classification (germline): Likely benign (0 of 4 stars; one submission).

Conditions:
PLEKHA7-related disorder. Also called: PLEKHA7-related condition.

Allele frequency attached by ClinVar (database versions not stated): ExAC 0.00033; gnomAD 0.00080; TOPMed 0.00091; ESP Exome Variant Server 0.00108; 1000 Genomes Project 0.00120; 1000 Genomes Project 30x 0.00125.
gnomAD v4.1: 258 of 1,614,110 alleles (0.016%); highest among the groups gnomAD compares: African/African-American, 0.27%; 1 homozygote.

Submission:

PreventionGenetics, part of Exact Sciences
Classification: Likely benign for PLEKHA7-related condition. Last evaluated: 2019-11-14. Review status: no assertion criteria provided. Collection method: clinical testing. Allele origin: germline.
Comment: This variant is classified as likely benign based on ACMG/AMP sequence variant interpretation guidelines (Richards et al. 2015 PMID: 25741868, with internal and published modifications).

NM_001329630.2(PLEKHA7):c.348G>A (p.Pro116=)

Gene: PLEKHA7 (pleckstrin homology domain containing A7; minus strand). Cytogenetic location: 11p15.2.
Variant type: single nucleotide variant.
Coding change: c.348G>A on transcript NM_001329630.2 (MANE Select); coding-DNA position 348, G replaced by A.
Protein change: p.Pro116=; no amino-acid change (proline 116 retained).
Molecular consequence: synonymous variant.
Genome position (GRCh38, 1-based): chr11:16,855,872, C>T on the plus strand (G>A on the coding strand, the complement: PLEKHA7 is on the minus strand). VCF-style: chr11-16855872-C-T. GRCh37 (hg19) VCF-style: chr11-16877419-C-T.
Other names: c.348G>A, p.Pro116= (NM_001329631.2, NM_001410960.1, NM_175058.5).
Identifiers: ClinVar variation 3045125 (VCV003045125.2), dbSNP rs149078871, ClinGen allele CA5899821.